The following is an entry in ClinVar:

ClinVar aggregate classification (germline): Likely benign (1 of 4 stars; one submission).

Allele frequency attached by ClinVar (database versions not stated): ExAC 0.00007; gnomAD 0.00013; TOPMed 0.00019; ESP Exome Variant Server 0.00038.
gnomAD v4.1: 61 of 1,613,748 alleles (0.0038%); highest among the groups gnomAD compares: African/African-American, 0.047%; no homozygotes.

Submission:

CeGaT Center for Human Genetics Tuebingen
Classification: Likely benign. Last evaluated: 2022-09-01. Review status: criteria provided, single submitter. Criteria: CeGaT Center For Human Genetics Tuebingen Variant Classification Criteria Version 2. Collection method: clinical testing. Allele origin: germline. Affected: yes. Observed: 1 variant allele.
Comment: EEF1D: BP4, BP7

NM_001130053.5(EEF1D):c.1554C>T (p.Asp518=)

Gene: EEF1D (eukaryotic translation elongation factor 1 delta; minus strand). Cytogenetic location: 8q24.3.
Variant type: single nucleotide variant.
Coding change: c.1554C>T on transcript NM_001130053.5 (MANE Select); coding-DNA position 1554, C replaced by T.
Protein change: p.Asp518=; no amino-acid change (aspartic acid 518 retained).
Molecular consequence: synonymous variant.
Genome position (GRCh38, 1-based): chr8:143,580,662, G>A on the plus strand (C>T on the coding strand, the complement: EEF1D is on the minus strand). VCF-style: chr8-143580662-G-A. GRCh37 (hg19) VCF-style: chr8-144662832-G-A.
Other names: c.456C>T, p.Asp152= (NM_001130055.4, NM_001130057.4, NM_001289950.4 and 1 more transcripts); c.384C>T, p.Asp128= (NM_001130056.5, NM_001317743.4, NM_001330646.3); c.399C>T, p.Asp133= (NM_001195203.4); c.1554C>T, p.Asp518= (NM_032378.7).
Identifiers: ClinVar variation 2658901 (VCV002658901.24), dbSNP rs144710704, ClinGen allele CA4913454.